The following is an entry in ClinVar:

NM_032551.5(KISS1R):c.587C>A (p.Pro196His)

Gene: KISS1R (KISS1 receptor; plus strand). Cytogenetic location: 19p13.3.
Variant type: single nucleotide variant.
Coding change: c.587C>A on transcript NM_032551.5 (MANE Select); coding-DNA position 587, C replaced by A.
Protein change: p.Pro196His; replaces proline 196 with histidine.
Molecular consequence: missense variant.
Genome position (GRCh38, 1-based): chr19:919,955, C>A. VCF-style: chr19-919955-C-A. GRCh37 (hg19) VCF-style: chr19-919955-C-A.
Other names: c.587C>A (NM_032551.4); short protein forms P196H.
Identifiers: ClinVar variation 1587376 (VCV001587376.11), dbSNP rs572007403, ClinGen allele CA9028808.

ClinVar aggregate classification (germline): Conflicting classifications of pathogenicity. Review status: criteria provided, conflicting classifications (1 of 4 stars). 4 submissions from 4 submitters: Uncertain significance (1); Likely benign (2). 1 of the submissions does not count toward it. Last evaluated 2024-12-30.

Conditions:
KISS1R-related disorder. Also called: KISS1R-related condition.

Allele frequency attached by ClinVar (database versions not stated): gnomAD 0.00009 and 0.00017; TOPMed 0.00017; gnomAD exomes 0.00033; ExAC 0.00077; 1000 Genomes Project 30x 0.00109; 1000 Genomes Project 0.00140.
gnomAD v4.1: 115 of 1,571,076 alleles (0.0073%); highest among the groups gnomAD compares: East Asian, 0.23%; no homozygotes.

Submissions (4):

Labcorp Genetics (formerly Invitae), Labcorp
Classification: Likely benign. Last evaluated: 2024-12-30. Review status: criteria provided, single submitter. Criteria: Invitae Variant Classification Sherloc (09022015). Collection method: clinical testing. Allele origin: germline.

Blueprint Genetics
Classification: Uncertain significance. Last evaluated: 2024-11-21. Review status: criteria provided, single submitter. Criteria: ACMG Guidelines, 2015. Collection method: clinical testing. Allele origin: germline.

Women's Health and Genetics/Laboratory Corporation of America, LabCorp
Classification: Likely benign. Last evaluated: 2024-05-30. Review status: criteria provided, single submitter. Criteria: LabCorp Variant Classification Summary - May 2015. Collection method: clinical testing. Allele origin: germline.
Comment: Variant summary: KISS1R c.587C>A (p.Pro196His) results in a non-conservative amino acid change located in the GPCR, rhodopsin-like, 7TM domain (IPR017452) of the encoded protein sequence. Four of five in-silico tools predict a damaging effect of the variant on protein function. The variant was detected at a frequency of 7.3e-05 in 1571076 control chomosomes (gnomAD), predominantly in individuals of East Asian descent at a frequency of 0.0023 in 42162 control chromosomes. c.587C>A has been reported in the literature in settings of multi-gene panel testing in multiple heterozygous individuals without reported second KISS1R variant who were affected with Kallman syndrome, Idiopathic Hypogonadotropic Hypogonadism, moderate hypospadia Persistent Mllerian duct syndrome, central precocious puberty, or normosmic congenital hypogonadotropic hypogonadism, with author classifications ranging from benign to likely pathogenic (e.g. Chen_2020, Luan_2007, Sun_2022, Xie_2022, Xu_2015). These reports do not provide unequivocal conclusions about association of the variant with Hypogonadotropic Hypogonadism 8 With Or Without Anosmia. To our knowledge, no experimental evidence demonstrating an impact on protein function has been reported. Together, the high frequency of the variant in the East Asian control population, lack of segregation with disease, and presence of only heterozygous genotypes in clinical cases suggest a potential benign role, however the prevalence of clinical cases with related phenotype and lack of homozygous control individuals in gnomAD provide conflicting evidence. The following publications have been ascertained in the context of this evaluation (PMID: 32171629, 17700012, 36123965, 35729303, 26199944). ClinVar contains an entry for this variant (Variation ID: 1587376). Based on the conflicting evidence outlined above, the variant was classified as likely benign.

PreventionGenetics, part of Exact Sciences
Classification: Likely benign for KISS1R-related condition. Last evaluated: 2023-05-08. Review status: no assertion criteria provided. Collection method: clinical testing. Allele origin: germline. Not counted in ClinVar's aggregate classification.
Comment: This variant is classified as likely benign based on ACMG/AMP sequence variant interpretation guidelines (Richards et al. 2015 PMID: 25741868, with internal and published modifications).

Literature cited by the submitters: PubMed 35729303 (cited by Women's Health and Genetics/Laboratory Corporation of America, LabCorp); PubMed 36123965 (cited by Women's Health and Genetics/Laboratory Corporation of America, LabCorp); PubMed 32171629 (cited by Women's Health and Genetics/Laboratory Corporation of America, LabCorp); PubMed 17700012 (cited by Women's Health and Genetics/Laboratory Corporation of America, LabCorp); PubMed 26199944 (cited by Women's Health and Genetics/Laboratory Corporation of America, LabCorp).